The following is an entry in ClinVar:

NM_016011.5(MECR):c.670C>T (p.Leu224=)

Gene: MECR (mitochondrial trans-2-enoyl-CoA reductase; minus strand). Cytogenetic location: 1p35.3.
Variant type: single nucleotide variant.
Coding change: c.670C>T on transcript NM_016011.5 (MANE Select); coding-DNA position 670, C replaced by T.
Protein change: p.Leu224=; no amino-acid change (leucine 224 retained).
Molecular consequence: synonymous variant. On other transcripts: non-coding transcript variant (4).
Genome position (GRCh38, 1-based): chr1:29,202,029, G>A on the plus strand (C>T on the coding strand, the complement: MECR is on the minus strand). VCF-style: chr1-29202029-G-A. GRCh37 (hg19) VCF-style: chr1-29528541-G-A.
Other names: p.Leu224=; c.442C>T, p.Leu148= (NM_001024732.4, NM_001349711.2, NM_001349712.2 and 2 more transcripts); c.775C>T, p.Leu259= (NM_001349715.2); c.754C>T, p.Leu252= (NM_001349716.2); c.520C>T, p.Leu174= (NM_001349717.2).
Identifiers: ClinVar variation 718392 (VCV000718392.52), dbSNP rs138091159, ClinGen allele CA725733.

ClinVar aggregate classification (germline): Benign/Likely benign. Review status: criteria provided, multiple submitters, no conflicts (2 of 4 stars). 6 submissions from 6 submitters: Benign (1); Likely benign (4). 1 of the submissions does not count toward it. Last evaluated 2026-05-01.

Conditions:
MECR-related disorder. Also called: MECR-related condition.

Allele frequency attached by ClinVar (database versions not stated): TOPMed 0.00110; 1000 Genomes Project 0.00120; gnomAD exomes 0.00123 and 0.00138; gnomAD 0.00124 and 0.00125; ExAC 0.00140; ESP Exome Variant Server 0.00154; 1000 Genomes Project 30x 0.00156.

Submissions (6):

CeGaT Center for Human Genetics Tuebingen
Classification: Likely benign. Last evaluated: 2026-05-01. Review status: criteria provided, single submitter. Criteria: CeGaT Center For Human Genetics Tuebingen Variant Classification Criteria Version 2. Collection method: clinical testing. Allele origin: germline. Affected: yes. Observed: 7 variant alleles.
Comment: MECR: BP4, BP7

Labcorp Genetics (formerly Invitae), Labcorp
Classification: Benign. Last evaluated: 2026-02-01. Review status: criteria provided, single submitter. Criteria: Invitae Variant Classification Sherloc (09022015). Collection method: clinical testing. Allele origin: germline.

Mayo Clinic Laboratories, Mayo Clinic
Classification: Likely benign. Last evaluated: 2025-03-25. Review status: criteria provided, single submitter. Criteria: ACMG Guidelines, 2015. Collection method: clinical testing. Allele origin: germline. Observed: 1 variant allele.
Comment: BS1, BP4, BP7

Blueprint Genetics
Classification: Likely benign. Last evaluated: 2024-11-26. Review status: criteria provided, single submitter. Criteria: ACMG Guidelines, 2015. Collection method: clinical testing. Allele origin: germline.

Breakthrough Genomics
Classification: Likely benign. Review status: criteria provided, single submitter. Criteria: ACMG Guidelines, 2015. Collection method: not provided. Allele origin: germline. Inheritance: Autosomal recessive inheritance. Affected: yes.

PreventionGenetics, part of Exact Sciences
Classification: Likely benign for MECR-related condition. Last evaluated: 2019-04-29. Review status: no assertion criteria provided. Collection method: clinical testing. Allele origin: germline. Not counted in ClinVar's aggregate classification.
Comment: This variant is classified as likely benign based on ACMG/AMP sequence variant interpretation guidelines (Richards et al. 2015 PMID: 25741868, with internal and published modifications).